The following is an entry in ClinVar:

NM_001127644.2(GABRA1):c.385C>T (p.His129Tyr)

Gene: GABRA1 (gamma-aminobutyric acid type A receptor subunit alpha1; plus strand). Cytogenetic location: 5q34.
Variant type: single nucleotide variant.
Coding change: c.385C>T on transcript NM_001127644.2 (MANE Select); coding-DNA position 385, C replaced by T.
Protein change: p.His129Tyr; replaces histidine 129 with tyrosine.
Molecular consequence: missense variant.
Genome position (GRCh38, 1-based): chr5:161,873,246, C>T. VCF-style: chr5-161873246-C-T. GRCh37 (hg19) VCF-style: chr5-161300252-C-T.
Other names: c.385C>T, p.His129Tyr (NM_000806.5, NM_001127643.2, NM_001127645.2 and 1 more transcripts); short protein forms H129Y.
Identifiers: ClinVar variation 1504517 (VCV001504517.9), dbSNP rs146134200, ClinGen allele CA131084949.

ClinVar aggregate classification (germline): Uncertain significance. Review status: criteria provided, multiple submitters, no conflicts (2 of 4 stars). 2 submissions from 2 submitters: Uncertain significance (2). Last evaluated 2025-01-27.

Conditions:
Epilepsy, idiopathic generalized, susceptibility to, 13. Also called: EPILEPSY, JUVENILE MYOCLONIC, SUSCEPTIBILITY TO, 5. Identifiers: Orphanet 307, Orphanet 64280, MedGen C4013473, MONDO:0012627, OMIM 611136.
Epilepsy, childhood absence 4 (ECA4). Also called: EPILEPSY, CHILDHOOD ABSENCE, SUSCEPTIBILITY TO, 4. Identifiers: Orphanet 307, MedGen C1970160.
Idiopathic generalized epilepsy. Also called: Generalised epilepsy; EIG. Identifiers: MedGen C0270850, MONDO:0005579, OMIM 600669.

Allele frequency attached by ClinVar (database versions not stated): gnomAD 0.00001; TOPMed 0.00004; ESP Exome Variant Server 0.00008.
gnomAD v4.1: 2 of 1,613,776 alleles (0.00012%); highest among the groups gnomAD compares: African/African-American, 0.0027%; no homozygotes.

Submissions (2):

GeneDx
Classification: Uncertain significance. Last evaluated: 2025-01-27. Review status: criteria provided, single submitter. Criteria: GeneDx Variant Classification Process June 2021. Collection method: clinical testing. Allele origin: germline. Affected: yes.
Comment: Published functional studies demonstrate that variant reduces GABA currents but has no effect on other macroscopic properties of the GABAA receptor (PMID: 27622563); In silico analysis supports that this missense variant has a deleterious effect on protein structure/function; This variant is associated with the following publications: (PMID: 27622563)

Labcorp Genetics (formerly Invitae), Labcorp
Classification: Uncertain significance for Epilepsy, childhood absence 4; Epilepsy, idiopathic generalized, susceptibility to, 13; Idiopathic generalized epilepsy. Last evaluated: 2023-05-25. Review status: criteria provided, single submitter. Criteria: Invitae Variant Classification Sherloc (09022015). Collection method: clinical testing. Allele origin: germline.
Comment: This variant has not been reported in the literature in individuals affected with GABRA1-related conditions. This variant is present in population databases (rs146134200, gnomAD 0.01%). This sequence change replaces histidine, which is basic and polar, with tyrosine, which is neutral and polar, at codon 129 of the GABRA1 protein (p.His129Tyr). ClinVar contains an entry for this variant (Variation ID: 1504517). In summary, the available evidence is currently insufficient to determine the role of this variant in disease. Therefore, it has been classified as a Variant of Uncertain Significance. Experimental studies are conflicting or provide insufficient evidence to determine the effect of this variant on GABRA1 function (PMID: 27622563). Advanced modeling of protein sequence and biophysical properties (such as structural, functional, and spatial information, amino acid conservation, physicochemical variation, residue mobility, and thermodynamic stability) has been performed at Invitae for this missense variant, however the output from this modeling did not meet the statistical confidence thresholds required to predict the impact of this variant on GABRA1 protein function.

Literature cited by the submitters: PubMed 27622563 (cited by Labcorp Genetics (formerly Invitae), Labcorp).